The following is an entry in ClinVar:

NM_000124.4(ERCC6):c.1859_1865dup (p.Thr623fs)

Gene: ERCC6 (ERCC excision repair 6, chromatin remodeling factor; minus strand). Cytogenetic location: 10q11.23.
Variant type: Duplication.
Coding change: c.1859_1865dup on transcript NM_000124.4 (MANE Select); coding-DNA positions 1859 to 1865, 7 bases duplicated (TTTTGAT; older notation c.1859_1865dupTTTTGAT).
Protein change: p.Thr623fs; shifts the reading frame from threonine 623.
Molecular consequence: frameshift variant.
Genome position (GRCh38, 1-based): chr10:49,483,473-49,483,479, ATCAAAA duplicated on the plus strand (TTTTGAT on the coding strand, the reverse complement: ERCC6 is on the minus strand). VCF-style (leftmost placement, unchanged base first): chr10-49483472-G-GATCAAAA. GRCh37 (hg19) VCF-style: chr10-50691518-G-GATCAAAA.
Other names: c.1859_1865dup, p.Thr623fs (NM_001346440.2); short protein forms T623fs.
Identifiers: ClinVar variation 5014944 (VCV005014944.1).
Genomic context (GRCh38, chr10:49,483,472, plus strand): 5'-ATAGTGCCAGTCATACCTGCTAATGTCATCCTGCATCAATCGAATGTAGGAGTAAGATGT[G>GATCAAAA]ATCAAAATTCCATGACAATGAGCAACATCTCGAATTAGTTTCTCCTGAGACCACAATAAA-3'

ClinVar aggregate classification (germline): Pathogenic (1 of 4 stars; one submission).

Conditions:
Cockayne spectrum with or without cerebrooculofacioskeletal syndrome. Identifiers: MedGen CN315928, MONDO:0100506.

Submission:

Myriad Genetics, Inc.
Classification: Pathogenic for Cockayne spectrum with or without cerebrooculofacioskeletal syndrome. Last evaluated: 2025-09-07. Review status: criteria provided, single submitter. Criteria: Myriad Autosomal Dominant, Autosomal Recessive and X-Linked Classification Criteria (2023). Collection method: clinical testing. Allele origin: unknown.
Comment: NM_000124.2(ERCC6):c.1859_1865dup7(T623Ffs*14) is expected to be pathogenic in the context of ERCC6-related disorders. This variant is predicted to lead to an abnormal or absent protein product due to the creation of a premature termination codon in ERCC6, a gene where loss-of-function variants are known to be pathogenic. Please note: this variant was assessed in the context of healthy population screening.